The following is an entry in ClinVar:

NM_002838.5(PTPRC):c.3661C>A (p.Leu1221Ile)

Gene: PTPRC (protein tyrosine phosphatase receptor type C; plus strand). Cytogenetic location: 1q32.1.
Variant type: single nucleotide variant.
Coding change: c.3661C>A on transcript NM_002838.5 (MANE Select); coding-DNA position 3661, C replaced by A.
Protein change: p.Leu1221Ile; replaces leucine 1221 with isoleucine.
Molecular consequence: missense variant.
Genome position (GRCh38, 1-based): chr1:198,755,921, C>A. VCF-style: chr1-198755921-C-A. GRCh37 (hg19) VCF-style: chr1-198725050-C-A.
Other names: c.3178C>A, p.Leu1060Ile (NM_080921.4); short protein forms L1060I, L1221I.
Identifiers: ClinVar variation 1010315 (VCV001010315.9), dbSNP rs766000320, ClinGen allele CA344055878.

ClinVar aggregate classification (germline): Uncertain significance (1 of 4 stars; one submission).

Conditions:
Immunodeficiency 104. Also called: SCID, AUTOSOMAL RECESSIVE, T CELL-NEGATIVE, B CELL-POSITIVE, NK CELL-POSITIVE; Severe combined immunodeficiency, autosomal recessive, T cell-negative, B cell-positive, NK cell-positive; Severe Combined Immune Deficiency, Autosomal Recessive, TCell -Negative, B Cell-Positive, NK Cell-Positive, IL7R-Related; IMMUNODEFICIENCY 104, SEVERE COMBINED. Identifiers: MedGen C5676890, MONDO:0012163, OMIM 608971.

Allele frequency attached by ClinVar (database versions not stated): gnomAD exomes below 0.00001; gnomAD 0.00001; TOPMed 0.00001.
gnomAD v4.1: 2 of 1,610,960 alleles (0.00012%); highest among the groups gnomAD compares: African/African-American, 0.0027%; no homozygotes.

Submission:

Labcorp Genetics (formerly Invitae), Labcorp
Classification: Uncertain significance for Immunodeficiency 104. Last evaluated: 2022-02-10. Review status: criteria provided, single submitter. Criteria: Invitae Variant Classification Sherloc (09022015). Collection method: clinical testing. Allele origin: germline.
Comment: In summary, the available evidence is currently insufficient to determine the role of this variant in disease. Therefore, it has been classified as a Variant of Uncertain Significance. Algorithms developed to predict the effect of missense changes on protein structure and function are either unavailable or do not agree on the potential impact of this missense change (SIFT: "Deleterious"; PolyPhen-2: "Probably Damaging"; Align-GVGD: "Class C0"). ClinVar contains an entry for this variant (Variation ID: 1010315). This variant has not been reported in the literature in individuals affected with PTPRC-related conditions. This variant is not present in population databases (gnomAD no frequency). This sequence change replaces leucine, which is neutral and non-polar, with isoleucine, which is neutral and non-polar, at codon 1221 of the PTPRC protein (p.Leu1221Ile).